The following is an entry in ClinVar:

NM_014797.3(ZBTB24):c.146G>A (p.Arg49Gln)

Gene: ZBTB24 (zinc finger and BTB domain containing 24; minus strand). Cytogenetic location: 6q21.
Variant type: single nucleotide variant.
Coding change: c.146G>A on transcript NM_014797.3 (MANE Select); coding-DNA position 146, G replaced by A.
Protein change: p.Arg49Gln; replaces arginine 49 with glutamine.
Molecular consequence: missense variant.
Genome position (GRCh38, 1-based): chr6:109,481,881, C>T on the plus strand (G>A on the coding strand, the complement: ZBTB24 is on the minus strand). VCF-style: chr6-109481881-C-T. GRCh37 (hg19) VCF-style: chr6-109803084-C-T.
Other names: p.Arg49Gln; c.146G>A, p.Arg49Gln (NM_001164313.2); short protein forms R49Q.
Identifiers: ClinVar variation 252685 (VCV000252685.51), dbSNP rs147441359, ClinGen allele CA3954392.

ClinVar aggregate classification (germline): Conflicting classifications of pathogenicity. Review status: criteria provided, conflicting classifications (1 of 4 stars). 7 submissions from 7 submitters: Uncertain significance (1); Benign (5); Likely benign (1). Last evaluated 2026-08-01.

Conditions:
Immunodeficiency-centromeric instability-facial anomalies syndrome 2 (ICF2). Identifiers: Orphanet 2268, MedGen C3279748, MONDO:0013553, OMIM 614069.
Kabuki syndrome 1 (KABUK1). Also called: KMT2D-Related Kabuki Syndrome. Identifiers: Orphanet 2322, MedGen CN030661, MONDO:0007843, OMIM 147920.

Allele frequency attached by ClinVar (database versions not stated): 1000 Genomes Project 30x 0.00422; 1000 Genomes Project 0.00439; gnomAD 0.00609 and 0.00624; ESP Exome Variant Server 0.00630; ExAC 0.00664; gnomAD exomes 0.00672 and 0.00741; TOPMed 0.00718.
gnomAD v4.1: 11,798 of 1,614,160 alleles (0.73%); highest among the groups gnomAD compares: Middle Eastern, 0.99%; 66 homozygotes.

Submissions (7):

CeGaT Center for Human Genetics Tuebingen
Classification: Likely benign. Last evaluated: 2026-08-01. Review status: criteria provided, single submitter. Criteria: CeGaT Center For Human Genetics Tuebingen Variant Classification Criteria Version 2. Collection method: clinical testing. Allele origin: germline. Affected: yes. Observed: 39 variant alleles.
Comment: ZBTB24: BS2

Labcorp Genetics (formerly Invitae), Labcorp
Classification: Benign for Immunodeficiency-centromeric instability-facial anomalies syndrome 2. Last evaluated: 2026-02-02. Review status: criteria provided, single submitter. Criteria: Invitae Variant Classification Sherloc (09022015). Collection method: clinical testing. Allele origin: germline.

ARUP Laboratories, Molecular Genetics and Genomics, ARUP Laboratories
Classification: Benign for Immunodeficiency-centromeric instability-facial anomalies syndrome 2. Last evaluated: 2024-11-25. Review status: criteria provided, single submitter. Criteria: ARUP Molecular Germline Variant Investigation Process 2024. Collection method: clinical testing. Allele origin: germline.

Mayo Clinic Laboratories, Mayo Clinic
Classification: Benign. Last evaluated: 2024-10-15. Review status: criteria provided, single submitter. Criteria: ACMG Guidelines, 2015. Collection method: clinical testing. Allele origin: germline. Observed: 2 variant alleles.
Comment: BS1, BS2, BS3_supporting

Women's Health and Genetics/Laboratory Corporation of America, LabCorp
Classification: Benign. Last evaluated: 2022-03-05. Review status: criteria provided, single submitter. Criteria: LabCorp Variant Classification Summary - May 2015. Collection method: clinical testing. Allele origin: germline.
Comment: Variant summary: ZBTB24 c.146G>A (p.Arg49Gln) results in a conservative amino acid change in the encoded protein sequence. Three of five in-silico tools predict a damaging effect of the variant on protein function. The variant allele was found at a frequency of 0.0067 in 251482 control chromosomes, predominantly at a frequency of 0.0091 within the Non-Finnish European subpopulation in the gnomAD database, including 10 homozygotes. The observed variant frequency within Non-Finnish European control individuals in the gnomAD database is approximately 8 fold of the estimated maximal expected allele frequency for a pathogenic variant in ZBTB24 causing ICF Syndrome, Type 2 phenotype (0.0011), strongly suggesting that the variant is a benign polymorphism found primarily in populations of Non-Finnish European origin. Although reported in the literature, to our knowledge, no penetrant association of c.146G>A in individuals affected with ICF Syndrome, Type 2 and no experimental evidence demonstrating its impact on protein function have been reported. Three clinical diagnostic laboratories have submitted clinical-significance assessments for this variant to ClinVar after 2014 without evidence for independent evaluation. All laboratories classified the variant as benign. Based on the evidence outlined above, the variant was classified as benign.

Genomic Diagnostic Laboratory, Division of Genomic Diagnostics, Children's Hospital of Philadelphia
Classification: Benign. Last evaluated: 2015-07-30. Review status: criteria provided, single submitter. Criteria: DGD Variant Analysis Guidelines. Collection method: clinical testing. Allele origin: unknown.

Baylor-Hopkins Center for Mendelian Genomics, Johns Hopkins University School of Medicine
Classification: Uncertain significance for Kabuki syndrome 1. Review status: criteria provided, single submitter. Criteria: ACMG Guidelines, 2015. Collection method: research. Allele origin: unknown. Affected: yes. Observed: 1 variant allele.

Literature cited by the submitters: PubMed 29255178 (cited by Mayo Clinic Laboratories, Mayo Clinic and Baylor-Hopkins Center for Mendelian Genomics, Johns Hopkins University School of Medicine); PubMed 31066130 (cited by Mayo Clinic Laboratories, Mayo Clinic).